The following is an entry in ClinVar:

NM_001197104.2(KMT2A):c.9092C>T (p.Thr3031Ile)

Gene: KMT2A (lysine methyltransferase 2A; plus strand). Cytogenetic location: 11q23.3.
Variant type: single nucleotide variant.
Coding change: c.9092C>T on transcript NM_001197104.2 (MANE Select); coding-DNA position 9092, C replaced by T.
Protein change: p.Thr3031Ile; replaces threonine 3031 with isoleucine.
Molecular consequence: missense variant.
Genome position (GRCh38, 1-based): chr11:118,504,984, C>T. VCF-style: chr11-118504984-C-T. GRCh37 (hg19) VCF-style: chr11-118375699-C-T.
Other names: c.9182C>T, p.Thr3061Ile (NM_001412597.1); c.9083C>T, p.Thr3028Ile (NM_005933.4); short protein forms T3061I, T3028I, T3031I.
Identifiers: ClinVar variation 4800570 (VCV004800570.1).

ClinVar aggregate classification (germline): Uncertain significance (1 of 4 stars; one submission).

Submission:

Labcorp Genetics (formerly Invitae), Labcorp
Classification: Uncertain significance. Last evaluated: 2025-05-14. Review status: criteria provided, single submitter. Criteria: Invitae Variant Classification Sherloc (09022015). Collection method: clinical testing. Allele origin: germline.
Comment: This sequence change replaces threonine, which is neutral and polar, with isoleucine, which is neutral and non-polar, at codon 3031 of the KMT2A protein (p.Thr3031Ile). This variant is not present in population databases (gnomAD no frequency). This variant has not been reported in the literature in individuals affected with KMT2A-related conditions. Invitae Evidence Modeling of protein sequence and biophysical properties (such as structural, functional, and spatial information, amino acid conservation, physicochemical variation, residue mobility, and thermodynamic stability) indicates that this missense variant is not expected to disrupt KMT2A protein function with a negative predictive value of 95%. In summary, the available evidence is currently insufficient to determine the role of this variant in disease. Therefore, it has been classified as a Variant of Uncertain Significance.